The following is an entry in ClinVar:

ClinVar aggregate classification (germline): Conflicting classifications of pathogenicity. Review status: criteria provided, conflicting classifications (1 of 4 stars). 3 submissions from 3 submitters: Uncertain significance (2); Likely benign (1). Last evaluated 2024-01-24.

Conditions:
Inborn genetic diseases. Identifiers: MedGen C0950123, MeSH D030342.
Isolated microphthalmia 5. Also called: Posterior Microphthalmia with Retinitis Pigmentosa, Foveoschisis, and Optic Disc Drusen. Identifiers: Orphanet 251279, MedGen C1970236, MONDO:0012605, OMIM 611040.

Allele frequency attached by ClinVar (database versions not stated): TOPMed 0.00003; gnomAD exomes below 0.00001; gnomAD 0.00001.
gnomAD v4.1: 6 of 1,595,572 alleles (0.00038%); highest among the groups gnomAD compares: Admixed American, 0.0018%; no homozygotes.

Submissions (3):

Ambry Genetics
Classification: Likely benign for Inborn genetic diseases. Last evaluated: 2024-01-24. Review status: criteria provided, single submitter. Criteria: Ambry Variant Classification Scheme 2023. Collection method: clinical testing. Allele origin: germline.

Blueprint Genetics
Classification: Uncertain significance. Last evaluated: 2022-09-29. Review status: criteria provided, single submitter. Criteria: ACMG Guidelines, 2015. Collection method: clinical testing. Allele origin: germline.

Labcorp Genetics (formerly Invitae), Labcorp
Classification: Uncertain significance for Isolated microphthalmia 5. Last evaluated: 2022-07-12. Review status: criteria provided, single submitter. Criteria: Invitae Variant Classification Sherloc (09022015). Collection method: clinical testing. Allele origin: germline.
Comment: ClinVar contains an entry for this variant (Variation ID: 1427020). This sequence change replaces glycine, which is neutral and non-polar, with arginine, which is basic and polar, at codon 58 of the MFRP protein (p.Gly58Arg). This variant is not present in population databases (gnomAD no frequency). This variant has not been reported in the literature in individuals affected with MFRP-related conditions. Algorithms developed to predict the effect of missense changes on protein structure and function output the following: SIFT: "Tolerated"; PolyPhen-2: "Benign"; Align-GVGD: "Class C0". The arginine amino acid residue is found in multiple mammalian species, which suggests that this missense change does not adversely affect protein function. Algorithms developed to predict the effect of sequence changes on RNA splicing suggest that this variant may create or strengthen a splice site. In summary, the available evidence is currently insufficient to determine the role of this variant in disease. Therefore, it has been classified as a Variant of Uncertain Significance.

NM_031433.4(MFRP):c.172G>A (p.Gly58Arg)

Genes: C1QTNF5 (C1q and TNF related 5; minus strand), MFRP (membrane frizzled-related protein; minus strand). Cytogenetic location: 11q23.3.
Variant type: single nucleotide variant.
Coding change: c.172G>A on transcript NM_031433.4 (MANE Select); coding-DNA position 172, G replaced by A.
Protein change: p.Gly58Arg; replaces glycine 58 with arginine.
Molecular consequence: missense variant. On other transcripts: 5 prime UTR variant (1).
Genome position (GRCh38, 1-based): chr11:119,346,145, C>T on the plus strand (G>A on the coding strand, the complement: MFRP is on the minus strand). VCF-style: chr11-119346145-C-T. GRCh37 (hg19) VCF-style: chr11-119216855-C-T.
Other names: c.-2465G>A (NM_015645.5); short protein forms G58R.
Identifiers: ClinVar variation 1427020 (VCV001427020.8), dbSNP rs1950565228, ClinGen allele CA382979563.